The following is an entry in ClinVar:

NC_000011.9:g.(117206397_117209281)_(117222705_117232550)dup

Gene: CEP164 (centrosomal protein 164; plus strand). Cytogenetic location: 11q23.3.
Variant type: Duplication.
Identifiers: ClinVar variation 1722431 (VCV001722431.1).

ClinVar aggregate classification (germline): Uncertain significance (1 of 4 stars; one submission).

Submission:

Women's Health and Genetics/Laboratory Corporation of America, LabCorp
Classification: Uncertain significance. Last evaluated: 2022-09-09. Review status: criteria provided, single submitter. Criteria: LabCorp Variant Classification Summary - May 2015. Collection method: clinical testing. Allele origin: germline.
Comment: Variant summary: The variant identified by MLPA or other technology involves the duplication of exons 3-5 in the CEP164 gene, where exon 3 contains the initiator codon. A presumed nomenclature of c.(-22+1_-21-1)_(393+1_394-1)dup has been designated for the purposes of this classification. It has been assumed that this is a tandem duplication in direct orientation (Richardson_GIM_2018, Newman_AJHG_2015). Since the exact breakpoints of this duplication are not known, it is not possible to predict the protein level effect of this variant. A large duplication variant that includes exons 3-5, and extends upstream about 13.5 kbp, thus also including the first two non-coding exons of the gene was found at a frequency of 9.2e-05 (i.e. 2 heterozygotes) in 21694 control chromosomes in the gnomAD database (structural variants dataset). The available data on variant occurrences in the general population are insufficient to allow any conclusion about variant significance. To our knowledge, no occurrence of c.(-22+1_-21-1)_(393+1_394-1)dup in individuals affected with Nephronophthisis 15 and no experimental evidence demonstrating its impact on protein function have been reported. One clinical diagnostic laboratory has submitted clinical-significance assessments for this variant to ClinVar after 2014, and classified the variant as uncertain significance. Based on the evidence outlined above, the variant was classified as uncertain significance.